The following is an entry in ClinVar:

ClinVar aggregate classification (germline): Uncertain significance (1 of 4 stars; one submission).

Conditions:
Congenital sideroblastic anemia-B-cell immunodeficiency-periodic fever-developmental delay syndrome. Also called: Sideroblastic anemia with B-cell immunodeficiency, periodic fevers, and developmental delay. Identifiers: Orphanet 369861, MedGen C4015172, MONDO:0014487, OMIM 616084.

Submission:

Labcorp Genetics (formerly Invitae), Labcorp
Classification: Uncertain significance for Congenital sideroblastic anemia-B-cell immunodeficiency-periodic fever-developmental delay syndrome. Last evaluated: 2022-05-24. Review status: criteria provided, single submitter. Criteria: Invitae Variant Classification Sherloc (09022015). Collection method: clinical testing. Allele origin: germline.
Comment: In summary, the available evidence is currently insufficient to determine the role of this variant in disease. Therefore, it has been classified as a Variant of Uncertain Significance. This sequence change replaces glutamic acid, which is acidic and polar, with glutamine, which is neutral and polar, at codon 426 of the TRNT1 protein (p.Glu426Gln). This variant is not present in population databases (gnomAD no frequency). This variant has not been reported in the literature in individuals affected with TRNT1-related conditions. Algorithms developed to predict the effect of missense changes on protein structure and function are either unavailable or do not agree on the potential impact of this missense change (SIFT: "Deleterious"; PolyPhen-2: "Benign"; Align-GVGD: "Class C0").

NM_182916.3(TRNT1):c.1276G>C (p.Glu426Gln)

Gene: TRNT1 (tRNA nucleotidyl transferase 1; plus strand). Cytogenetic location: 3p26.2.
Variant type: single nucleotide variant.
Coding change: c.1276G>C on transcript NM_182916.3 (MANE Select); coding-DNA position 1276, G replaced by C.
Protein change: p.Glu426Gln; replaces glutamic acid 426 with glutamine.
Molecular consequence: missense variant. On other transcripts: non-coding transcript variant (8).
Genome position (GRCh38, 1-based): chr3:3,148,125, G>C. VCF-style: chr3-3148125-G-C. GRCh37 (hg19) VCF-style: chr3-3189809-G-C.
Other names: c.1216G>C, p.Glu406Gln (NM_001302946.2); c.1276G>C, p.Glu426Gln (NM_001367321.1, NM_001367322.1, NM_001367323.1); short protein forms E426Q, E406Q.
Identifiers: ClinVar variation 1998187 (VCV001998187.4), dbSNP rs1706188347, ClinGen allele CA351449186.
Genomic context (GRCh38, chr3:3,148,125, plus strand): 5'-GCTCTATTACAACAGTTGCGAGAACAGTGGAAAAAAAGTGGTTACCAAATGGAAAAAGAT[G>C]AACTTCTGAGTTACATAAAGAAGACCTAAAACTGATGGCTACTAAAAAGCAGAGCATTTC-3'
Protein context (NP_886552.3, residues 416-434): KKSGYQMEKD[Glu426Gln]LLSYIKKT